The following is an entry in ClinVar:

NM_000179.3(MSH6):c.1075A>G (p.Ser359Gly)

Gene: MSH6 (mutS homolog 6; plus strand). Cytogenetic location: 2p16.3.
Variant type: single nucleotide variant.
Coding change: c.1075A>G on transcript NM_000179.3 (MANE Select); coding-DNA position 1075, A replaced by G.
Protein change: p.Ser359Gly; replaces serine 359 with glycine.
Molecular consequence: missense variant.
Genome position (GRCh38, 1-based): chr2:47,799,058, A>G. VCF-style: chr2-47799058-A-G. GRCh37 (hg19) VCF-style: chr2-48026197-A-G.
Other names: c.685A>G, p.Ser229Gly (NM_001281492.2); c.169A>G, p.Ser57Gly (NM_001281493.2, NM_001281494.2); short protein forms S359G, S229G, S57G.
Identifiers: ClinVar variation 455111 (VCV000455111.16), dbSNP rs1553412468, ClinGen allele CA346741720.
Genomic context (GRCh38, chr2:47,799,058, plus strand): 5'-GCTTTCTCTGCCCCTCAAAATTCTGAATCCCAAGCCCACGTTAGTGGAGGTGGTGATGAC[A>G]GTAGTCGCCCTACTGTTTGGTATCATGAAACTTTAGAATGGCTTAAGGAGGAAAAGAGAA-3'
Protein context (NP_000170.1, residues 349-369): QAHVSGGGDD[Ser359Gly]SRPTVWYHET

ClinVar aggregate classification (germline): Conflicting classifications of pathogenicity. Review status: criteria provided, conflicting classifications (1 of 4 stars). 3 submissions from 3 submitters: Uncertain significance (2); Likely benign (1). Last evaluated 2024-10-08.

Conditions:
Hereditary nonpolyposis colorectal neoplasms. Identifiers: MedGen C0009405, MeSH D003123.
Hereditary cancer-predisposing syndrome. Also called: Hereditary Cancer Syndrome; Hereditary neoplastic syndrome; Neoplastic Syndromes, Hereditary; Tumor predisposition. Identifiers: Orphanet 140162, MedGen C0027672, MeSH D009386, MONDO:0015356.

Submissions (3):

Ambry Genetics
Classification: Likely benign for Hereditary cancer-predisposing syndrome. Last evaluated: 2024-10-08. Review status: criteria provided, single submitter. Criteria: Ambry Variant Classification Scheme 2023. Collection method: clinical testing. Allele origin: germline.

Labcorp Genetics (formerly Invitae), Labcorp
Classification: Uncertain significance for Hereditary nonpolyposis colorectal neoplasms. Last evaluated: 2024-07-09. Review status: criteria provided, single submitter. Criteria: Invitae Variant Classification Sherloc (09022015). Collection method: clinical testing. Allele origin: germline.
Comment: This sequence change replaces serine, which is neutral and polar, with glycine, which is neutral and non-polar, at codon 359 of the MSH6 protein (p.Ser359Gly). This variant is not present in population databases (gnomAD no frequency). This variant has not been reported in the literature in individuals affected with MSH6-related conditions. ClinVar contains an entry for this variant (Variation ID: 455111). Advanced modeling of protein sequence and biophysical properties (such as structural, functional, and spatial information, amino acid conservation, physicochemical variation, residue mobility, and thermodynamic stability) performed at Invitae indicates that this missense variant is not expected to disrupt MSH6 protein function with a negative predictive value of 95%. In summary, the available evidence is currently insufficient to determine the role of this variant in disease. Therefore, it has been classified as a Variant of Uncertain Significance.

Color Diagnostics, LLC DBA Color Health
Classification: Uncertain significance for Hereditary cancer-predisposing syndrome. Last evaluated: 2024-03-06. Review status: criteria provided, single submitter. Criteria: ACMG Guidelines, 2015. Collection method: clinical testing. Allele origin: germline.
Comment: This missense variant replaces serine with glycine at codon 359 of the MSH6 protein. Computational prediction suggests that this variant may not impact protein structure and function (internally defined REVEL score threshold <= 0.5, PMID: 27666373). To our knowledge, functional studies have not been reported for this variant. This variant has not been reported in individuals affected with hereditary cancer in the literature. This variant has not been identified in the general population by the Genome Aggregation Database (gnomAD). The available evidence is insufficient to determine the role of this variant in disease conclusively. Therefore, this variant is classified as a Variant of Uncertain Significance.